The following is an entry in ClinVar:

ClinVar aggregate classification (germline): Conflicting classifications of pathogenicity. Review status: criteria provided, conflicting classifications (1 of 4 stars). 2 submissions from 2 submitters: Uncertain significance (1); Likely benign (1). Last evaluated 2024-12-23.

Allele frequency attached by ClinVar (database versions not stated): ExAC 0.00006; gnomAD exomes 0.00007; TOPMed 0.00007; ESP Exome Variant Server 0.00008; gnomAD 0.00011; 1000 Genomes Project 0.00020; 1000 Genomes Project 30x 0.00031.
gnomAD v4.1: 120 of 1,613,074 alleles (0.0074%); highest among the groups gnomAD compares: Non-Finnish European, 0.0098%; no homozygotes.

Submissions (2):

Labcorp Genetics (formerly Invitae), Labcorp
Classification: Uncertain significance. Last evaluated: 2024-12-23. Review status: criteria provided, single submitter. Criteria: Invitae Variant Classification Sherloc (09022015). Collection method: clinical testing. Allele origin: germline.
Comment: This sequence change falls in intron 15 of the CEP250 gene. It does not directly change the encoded amino acid sequence of the CEP250 protein. It affects a nucleotide within the consensus splice site. This variant is present in population databases (rs200605614, gnomAD 0.01%). This variant has not been reported in the literature in individuals affected with CEP250-related conditions. ClinVar contains an entry for this variant (Variation ID: 1024848). Variants that disrupt the consensus splice site are a relatively common cause of aberrant splicing (PMID: 17576681, 9536098). Algorithms developed to predict the effect of sequence changes on RNA splicing suggest that this variant is not likely to affect RNA splicing. In summary, the available evidence is currently insufficient to determine the role of this variant in disease. Therefore, it has been classified as a Variant of Uncertain Significance.

Blueprint Genetics
Classification: Likely benign. Last evaluated: 2024-05-17. Review status: criteria provided, single submitter. Criteria: ACMG Guidelines, 2015. Collection method: clinical testing. Allele origin: germline.

Literature cited by the submitters: PubMed 17576681 (cited by Labcorp Genetics (formerly Invitae), Labcorp); PubMed 9536098 (cited by Labcorp Genetics (formerly Invitae), Labcorp).

NM_007186.6(CEP250):c.1716+3G>A

Genes: CEP250 (centrosomal protein 250; plus strand), CEP250-AS1 (CEP250 antisense RNA 1; minus strand). Cytogenetic location: 20q11.22.
Variant type: single nucleotide variant.
Coding change: c.1716+3G>A on transcript NM_007186.6 (MANE Select); 3 bases into the intron after coding-DNA position 1716, G replaced by A.
Molecular consequence: intron variant.
Genome position (GRCh38, 1-based): chr20:35,475,649, G>A. VCF-style: chr20-35475649-G-A. GRCh37 (hg19) VCF-style: chr20-34063474-G-A.
Other names: c.-184+3G>A (NM_001318219.1).
Identifiers: ClinVar variation 1024848 (VCV001024848.6), dbSNP rs200605614, ClinGen allele CA9832994.